The following is an entry in ClinVar:

NM_025074.7(FRAS1):c.8959-2A>G

Gene: FRAS1 (Fraser extracellular matrix complex subunit 1; plus strand). Cytogenetic location: 4q21.21.
Variant type: single nucleotide variant.
Coding change: c.8959-2A>G on transcript NM_025074.7 (MANE Select); the canonical splice acceptor site of the intron before coding-DNA position 8959, A replaced by G.
Molecular consequence: splice acceptor variant.
Genome position (GRCh38, 1-based): chr4:78,496,803, A>G. VCF-style: chr4-78496803-A-G. GRCh37 (hg19) VCF-style: chr4-79417957-A-G.
Identifiers: ClinVar variation 2804609 (VCV002804609.3), dbSNP rs983073692, ClinGen allele CA99962352.

ClinVar aggregate classification (germline): Likely pathogenic (1 of 4 stars; one submission).

Allele frequency attached by ClinVar (database versions not stated): gnomAD exomes below 0.00001; TOPMed below 0.00001.
gnomAD v4.1: 3 of 1,610,748 alleles (0.00019%); highest among the groups gnomAD compares: Non-Finnish European, 0.00025%; no homozygotes.

Submission:

Labcorp Genetics (formerly Invitae), Labcorp
Classification: Likely pathogenic. Last evaluated: 2023-10-23. Review status: criteria provided, single submitter. Criteria: Invitae Variant Classification Sherloc (09022015). Collection method: clinical testing. Allele origin: germline.
Comment: This sequence change affects an acceptor splice site in intron 59 of the FRAS1 gene. It is expected to disrupt RNA splicing. Variants that disrupt the donor or acceptor splice site typically lead to a loss of protein function (PMID: 16199547), and loss-of-function variants in FRAS1 are known to be pathogenic (PMID: 12766769, 18671281). This variant is not present in population databases (gnomAD no frequency). This variant has not been reported in the literature in individuals affected with FRAS1-related conditions. Algorithms developed to predict the effect of sequence changes on RNA splicing suggest that this variant may disrupt the consensus splice site. In summary, the currently available evidence indicates that the variant is pathogenic, but additional data are needed to prove that conclusively. Therefore, this variant has been classified as Likely Pathogenic.

Literature cited by the submitters: PubMed 16199547; PubMed 12766769; PubMed 18671281.